The following is an entry in ClinVar:

ClinVar aggregate classification (germline): Benign/Likely benign. Review status: criteria provided, multiple submitters, no conflicts (2 of 4 stars). 3 submissions from 3 submitters: Benign (2); Likely benign (1). Last evaluated 2026-01-08.

Allele frequency attached by ClinVar (database versions not stated): gnomAD exomes 0.00011 and 0.00035; gnomAD 0.00015 and 0.00016; TOPMed 0.00027; 1000 Genomes Project 0.00080; ExAC 0.00089; 1000 Genomes Project 30x 0.00094.
gnomAD v4.1: 174 of 1,552,748 alleles (0.011%); highest among the groups gnomAD compares: Admixed American, 0.12%; no homozygotes.

Submissions (3):

Labcorp Genetics (formerly Invitae), Labcorp
Classification: Benign. Last evaluated: 2026-01-08. Review status: criteria provided, single submitter. Criteria: Invitae Variant Classification Sherloc (09022015). Collection method: clinical testing. Allele origin: germline.

Blueprint Genetics
Classification: Likely benign. Last evaluated: 2024-09-09. Review status: criteria provided, single submitter. Criteria: ACMG Guidelines, 2015. Collection method: clinical testing. Allele origin: germline.

CeGaT Center for Human Genetics Tuebingen
Classification: Benign. Last evaluated: 2022-03-01. Review status: criteria provided, single submitter. Criteria: CeGaT Center For Human Genetics Tuebingen Variant Classification Criteria Version 2. Collection method: clinical testing. Allele origin: germline. Affected: yes. Observed: 1 variant allele.
Comment: CAMK2B: BS1, BS2

NM_001220.5(CAMK2B):c.1398C>T (p.Ala466=)

Gene: CAMK2B (calcium/calmodulin dependent protein kinase II beta; minus strand). Cytogenetic location: 7p13.
Variant type: single nucleotide variant.
Coding change: c.1398C>T on transcript NM_001220.5 (MANE Select); coding-DNA position 1398, C replaced by T.
Protein change: p.Ala466=; no amino-acid change (alanine 466 retained).
Molecular consequence: synonymous variant. On other transcripts: intron variant (8).
Genome position (GRCh38, 1-based): chr7:44,228,866, G>A on the plus strand (C>T on the coding strand, the complement: CAMK2B is on the minus strand). VCF-style: chr7-44228866-G-A. GRCh37 (hg19) VCF-style: chr7-44268465-G-A.
Other names: c.947-7965C>T (NM_172084.3); c.1150+2140C>T (NM_172080.3); c.1036+2140C>T (NM_172083.3); c.1108+2140C>T (NM_172081.3); c.1153+2140C>T (NM_172079.3, NM_172082.3); c.1225+2140C>T (NM_001293170.2, NM_172078.3).
Identifiers: ClinVar variation 1554034 (VCV001554034.32), dbSNP rs201007866, ClinGen allele CA4240323.